The following is an entry in ClinVar:

ClinVar aggregate classification (germline): Uncertain significance (1 of 4 stars; one submission).

Conditions:
Joubert syndrome. Also called: Familial aplasia of the vermis; JOUBERT-BOLTSHAUSER SYNDROME; CEREBELLOPARENCHYMAL DISORDER IV. Identifiers: Orphanet 475, MedGen C5979921, MONDO:0018772.
Orofaciodigital syndrome I (OFD1). Also called: Papillon-Leage and Psaume Syndrome; OFDS I; Oral-Facial-Digital Syndrome Type I. Identifiers: Orphanet 2750, MedGen C1510460, MONDO:0010702, OMIM 311200.

Submission:

Labcorp Genetics (formerly Invitae), Labcorp
Classification: Uncertain significance for Orofaciodigital syndrome I; Joubert syndrome. Last evaluated: 2025-06-16. Review status: criteria provided, single submitter. Criteria: Invitae Variant Classification Sherloc (09022015). Collection method: clinical testing. Allele origin: germline.
Comment: This sequence change replaces lysine, which is basic and polar, with arginine, which is basic and polar, at codon 133 of the OFD1 protein (p.Lys133Arg). This variant is not present in population databases (gnomAD no frequency). This variant has not been reported in the literature in individuals affected with OFD1-related conditions. Invitae Evidence Modeling of protein sequence and biophysical properties (such as structural, functional, and spatial information, amino acid conservation, physicochemical variation, residue mobility, and thermodynamic stability) indicates that this missense variant is not expected to disrupt OFD1 protein function with a negative predictive value of 80%. In summary, the available evidence is currently insufficient to determine the role of this variant in disease. Therefore, it has been classified as a Variant of Uncertain Significance.

NM_003611.3(OFD1):c.398A>G (p.Lys133Arg)

Gene: OFD1 (OFD1 centriole and centriolar satellite protein; plus strand). Cytogenetic location: Xp22.2.
Variant type: single nucleotide variant.
Coding change: c.398A>G on transcript NM_003611.3 (MANE Select); coding-DNA position 398, A replaced by G.
Protein change: p.Lys133Arg; replaces lysine 133 with arginine.
Molecular consequence: missense variant. On other transcripts: 5 prime UTR variant (1).
Genome position (GRCh38, 1-based): chrX:13,739,018, A>G. VCF-style: chrX-13739018-A-G. GRCh37 (hg19) VCF-style: chrX-13757137-A-G.
Other names: c.398A>G, p.Lys133Arg (NM_001330209.2, NM_001440947.1, NM_001440948.1); c.-148A>G (NM_001330210.2); short protein forms K133R.
Identifiers: ClinVar variation 4783319 (VCV004783319.1).